The following is an entry in ClinVar:

ClinVar aggregate classification (germline): Uncertain significance. Review status: criteria provided, multiple submitters, no conflicts (2 of 4 stars). 2 submissions from 2 submitters: Uncertain significance (2). Last evaluated 2025-03-26.

Conditions:
Inborn genetic diseases. Identifiers: MedGen C0950123, MeSH D030342.

gnomAD v4.1: 9 of 1,613,828 alleles (0.00056%); highest among the groups gnomAD compares: Non-Finnish European, 0.00076%; no homozygotes.

Submissions (2):

Ambry Genetics
Classification: Uncertain significance for Inborn genetic diseases. Last evaluated: 2025-03-26. Review status: criteria provided, single submitter. Criteria: Ambry Variant Classification Scheme 2023. Collection method: clinical testing. Allele origin: germline.

GeneDx
Classification: Uncertain significance. Last evaluated: 2024-09-03. Review status: criteria provided, single submitter. Criteria: GeneDx Variant Classification Process June 2021. Collection method: clinical testing. Allele origin: germline. Affected: yes.
Comment: Not observed at significant frequency in large population cohorts (gnomAD); In silico analysis indicates that this missense variant does not alter protein structure/function; Has not been previously published as pathogenic or benign to our knowledge

NM_001042545.2(LTBP4):c.2842G>A (p.Glu948Lys)

Gene: LTBP4 (latent transforming growth factor beta binding protein 4; plus strand). Cytogenetic location: 19q13.2.
Variant type: single nucleotide variant.
Coding change: c.2842G>A on transcript NM_001042545.2 (MANE Select); coding-DNA position 2842, G replaced by A.
Protein change: p.Glu948Lys; replaces glutamic acid 948 with lysine.
Molecular consequence: missense variant.
Genome position (GRCh38, 1-based): chr19:40,616,918, G>A. VCF-style: chr19-40616918-G-A. GRCh37 (hg19) VCF-style: chr19-41122824-G-A.
Other names: c.3043G>A, p.Glu1015Lys (NM_001042544.1); c.2932G>A, p.Glu978Lys (NM_003573.2); short protein forms E1015K, E948K, E978K.
Identifiers: ClinVar variation 3766126 (VCV003766126.2).
Genomic context (GRCh38, chr19:40,616,918, plus strand): 5'-ACTCCCCTTTCATCTCCTCCACACTCTGCAGATGTGGATGAGTGCCAAGAATATGGTCCC[G>A]AGATTTGTGGAGCCCAGCGTTGTGAGAACACCCCTGGCTCCTACCGCTGCACACCAGCCT-3'
Protein context (NP_001036010.1, residues 938-958): DVDECQEYGP[Glu948Lys]ICGAQRCENT